The following is an entry in ClinVar:

NM_000064.4(C3):c.1846-2A>C

Gene: C3 (complement C3; minus strand). Cytogenetic location: 19p13.3.
Variant type: single nucleotide variant.
Coding change: c.1846-2A>C on transcript NM_000064.4 (MANE Select); the canonical splice acceptor site of the intron before coding-DNA position 1846, A replaced by C.
Molecular consequence: splice acceptor variant.
Genome position (GRCh38, 1-based): chr19:6,707,931, T>G on the plus strand (A>C on the coding strand, the complement: C3 is on the minus strand). VCF-style: chr19-6707931-T-G. GRCh37 (hg19) VCF-style: chr19-6707942-T-G.
Identifiers: ClinVar variation 1524018 (VCV001524018.8), dbSNP rs2145423487, ClinGen allele CA403638608.

ClinVar aggregate classification (germline): Likely pathogenic (1 of 4 stars; one submission).

Submission:

Labcorp Genetics (formerly Invitae), Labcorp
Classification: Likely pathogenic. Last evaluated: 2020-11-14. Review status: criteria provided, single submitter. Criteria: Invitae Variant Classification Sherloc (09022015). Collection method: clinical testing. Allele origin: germline.
Comment: This sequence change affects an acceptor splice site in intron 14 of the C3 gene. It is expected to disrupt RNA splicing. Variants that disrupt the donor or acceptor splice site typically lead to a loss of protein function (PMID: 16199547), and loss-of-function variants in C3 are known to be pathogenic (PMID: 12462331, 14639503, 21501302). This variant is not present in population databases (ExAC no frequency). This variant has not been reported in the literature in individuals with C3-related conditions. Algorithms developed to predict the effect of sequence changes on RNA splicing suggest that this variant may disrupt the consensus splice site, but this prediction has not been confirmed by published transcriptional studies. In summary, the currently available evidence indicates that the variant is pathogenic, but additional data are needed to prove that conclusively. Therefore, this variant has been classified as Likely Pathogenic.

Literature cited by the submitters: PubMed 16199547; PubMed 12462331; PubMed 14639503; PubMed 21501302.